The following is an entry in ClinVar:

NM_020297.4(ABCC9):c.4512+777_4512+778delinsAA

Genes: ABCC9 (ATP binding cassette subfamily C member 9; minus strand), KCNJ8-AS1 (KCNJ8 antisense RNA 1; plus strand). Cytogenetic location: 12p12.1.
Variant type: Indel.
Coding change: c.4512+777_4512+778delinsAA on transcript NM_020297.4 (MANE Select); bases 777 to 778 of the intron after coding-DNA position 4512, GC replaced by AA.
Molecular consequence: intron variant. On other transcripts: missense variant (1).
Genome position (GRCh38, 1-based): chr12:21,805,220-21,805,221, GC replaced by TT on the plus strand (GC replaced by AA on the coding strand, the reverse complement: ABCC9 is on the minus strand). VCF-style: chr12-21805220-GC-TT. GRCh37 (hg19) VCF-style: chr12-21958154-GC-TT.
Other names: c.4603_4604delinsAA, p.Ala1535Asn (NM_005691.4); c.3645+777_3645+778delinsAA (NM_001377274.1); c.4512+777_4512+778delinsAA (NM_001377273.1); c.4603_4604delinsAA (NM_005691.3); short protein forms A1535N.
Identifiers: ClinVar variation 1741831 (VCV001741831.10), dbSNP rs2540791541, ClinGen allele CA2580085257.

ClinVar aggregate classification (germline): Conflicting classifications of pathogenicity. Review status: criteria provided, conflicting classifications (1 of 4 stars). 4 submissions from 4 submitters: Uncertain significance (2); Benign (1). 1 of the submissions does not count toward it. Last evaluated 2025-12-31.

Conditions:
Dilated cardiomyopathy 1O (CMD1O). Also called: CARDIOMYOPATHY, DILATED, WITH VENTRICULAR TACHYCARDIA. Identifiers: Orphanet 154, MedGen C1837839, MONDO:0012062, OMIM 608569.
ABCC9-related disorder. Also called: ABCC9-related condition; ABCC9-related disorders.
Cardiovascular phenotype. Identifiers: MedGen CN230736.

Submissions (4):

Labcorp Genetics (formerly Invitae), Labcorp
Classification: Uncertain significance for Dilated cardiomyopathy 1O. Last evaluated: 2025-12-31. Review status: criteria provided, single submitter. Criteria: Invitae Variant Classification Sherloc (09022015). Collection method: clinical testing. Allele origin: germline.
Comment: This sequence change replaces alanine, which is neutral and non-polar, with asparagine, which is neutral and polar, at codon 1535 of the ABCC9 protein (p.Ala1535Asn). Information on the frequency of this variant in the gnomAD database is not available, as this variant may be reported differently in the database. This variant has not been reported in the literature in individuals affected with ABCC9-related conditions. ClinVar contains an entry for this variant (Variation ID: 1741831). An algorithm developed to predict the effect of missense changes on protein structure and function (PolyPhen-2) suggests that this variant is likely to be tolerated. In summary, the available evidence is currently insufficient to determine the role of this variant in disease. Therefore, it has been classified as a Variant of Uncertain Significance.

Ambry Genetics
Classification: Benign for Cardiovascular phenotype. Last evaluated: 2025-04-18. Review status: criteria provided, single submitter. Criteria: Ambry Variant Classification Scheme 2023. Collection method: clinical testing. Allele origin: germline.

GeneDx
Classification: Uncertain significance. Last evaluated: 2024-06-27. Review status: criteria provided, single submitter. Criteria: GeneDx Variant Classification Process June 2021. Collection method: clinical testing. Allele origin: germline. Affected: yes.
Comment: In silico analysis indicates that this variant does not alter splicing; Has not been previously published as pathogenic or benign to our knowledge; Not observed at significant frequency in large population cohorts (gnomAD); Reported using an alternate transcript of the gene

PreventionGenetics, part of Exact Sciences
Classification: Uncertain significance for ABCC9-related condition. Last evaluated: 2024-03-27. Review status: no assertion criteria provided. Collection method: clinical testing. Allele origin: germline. Not counted in ClinVar's aggregate classification.
Comment: The ABCC9 c.4603_4604delinsAA variant is predicted to result in an in-frame deletion and insertion. To our knowledge, this variant has not been reported in the literature. This variant has been documented as two separate variants in a large population database [c.4603G>A (p.Ala1535Thr); c.4604C>A (p.Ala1535Asp)]. At this time, the clinical significance of this variant is uncertain due to the absence of conclusive functional and genetic evidence.